The following is an entry in ClinVar:

NM_014633.5(CTR9):c.652C>T (p.Arg218Cys)

Gene: CTR9 (CTR9 component of Paf1/RNA polymerase II complex; plus strand). Cytogenetic location: 11p15.4.
Variant type: single nucleotide variant.
Coding change: c.652C>T on transcript NM_014633.5 (MANE Select); coding-DNA position 652, C replaced by T.
Protein change: p.Arg218Cys; replaces arginine 218 with cysteine.
Molecular consequence: missense variant.
Genome position (GRCh38, 1-based): chr11:10,760,232, C>T. VCF-style: chr11-10760232-C-T. GRCh37 (hg19) VCF-style: chr11-10781779-C-T.
Other names: c.652C>T, p.Arg218Cys (NM_001346279.2); short protein forms R218C.
Identifiers: ClinVar variation 2909813 (VCV002909813.3), dbSNP rs2539375717, ClinGen allele CA379662516.

ClinVar aggregate classification (germline): Uncertain significance (1 of 4 stars; one submission).

Submission:

Labcorp Genetics (formerly Invitae), Labcorp
Classification: Uncertain significance. Last evaluated: 2022-10-25. Review status: criteria provided, single submitter. Criteria: Invitae Variant Classification Sherloc (09022015). Collection method: clinical testing. Allele origin: germline.
Comment: This variant has not been reported in the literature in individuals affected with CTR9-related conditions. This sequence change replaces arginine, which is basic and polar, with cysteine, which is neutral and slightly polar, at codon 218 of the CTR9 protein (p.Arg218Cys). This variant is not present in population databases (gnomAD no frequency). Algorithms developed to predict the effect of missense changes on protein structure and function (SIFT, PolyPhen-2, Align-GVGD) all suggest that this variant is likely to be disruptive. Algorithms developed to predict the effect of sequence changes on RNA splicing suggest that this variant may create or strengthen a splice site. In summary, the available evidence is currently insufficient to determine the role of this variant in disease. Therefore, it has been classified as a Variant of Uncertain Significance.